The following is an entry in ClinVar:

NM_015047.3(EMC1):c.915C>G (p.Tyr305Ter)

Genes: EMC1 (ER membrane protein complex subunit 1; minus strand), EMC1-AS1 (EMC1 antisense RNA 1; plus strand). Cytogenetic location: 1p36.13.
Variant type: single nucleotide variant.
Coding change: c.915C>G on transcript NM_015047.3 (MANE Select); coding-DNA position 915, C replaced by G.
Protein change: p.Tyr305Ter; replaces tyrosine 305 with a stop codon.
Molecular consequence: nonsense.
Genome position (GRCh38, 1-based): chr1:19,239,857, G>C on the plus strand (C>G on the coding strand, the complement: EMC1 is on the minus strand). VCF-style: chr1-19239857-G-C. GRCh37 (hg19) VCF-style: chr1-19566351-G-C.
Other names: c.915C>G, p.Tyr305Ter (NM_001271427.2, NM_001271428.2, NM_001375820.1 and 1 more transcripts); c.849C>G, p.Tyr283Ter (NM_001271429.2); short protein forms Y283*, Y305*.
Identifiers: ClinVar variation 971188 (VCV000971188.8), dbSNP rs1295003726, ClinGen allele CA338768020.
Genomic context (GRCh38, chr1:19,239,857, plus strand): 5'-AACCATGTTGCCTGCAGTTACCTGTGGGAAGTTTTTAAGCAAACTCAGCGTTCCATAATG[G>C]TACTGCAGCAGAGCATAGTGGCTTGGGGACAAGTGCAGGAAGAACTGGGCCCGGGAAGCG-3'

ClinVar aggregate classification (germline): Pathogenic (1 of 4 stars; one submission).

Allele frequency attached by ClinVar (database versions not stated): gnomAD exomes below 0.00001.
gnomAD v4.1: 1 of 1,614,048 alleles (0.000062%); highest among the groups gnomAD compares: African/African-American, 0.0013%; no homozygotes.

Submission:

Labcorp Genetics (formerly Invitae), Labcorp
Classification: Pathogenic. Last evaluated: 2022-01-15. Review status: criteria provided, single submitter. Criteria: Invitae Variant Classification Sherloc (09022015). Collection method: clinical testing. Allele origin: germline.
Comment: Algorithms developed to predict the effect of sequence changes on RNA splicing suggest that this variant may create or strengthen a splice site. This sequence change creates a premature translational stop signal (p.Tyr305*) in the EMC1 gene. It is expected to result in an absent or disrupted protein product. Loss-of-function variants in EMC1 are known to be pathogenic (PMID: 26572623, 26942288, 29271071). This variant is present in population databases (no rsID available, gnomAD 0.007%). This variant has not been reported in the literature in individuals affected with EMC1-related conditions. ClinVar contains an entry for this variant (Variation ID: 971188). For these reasons, this variant has been classified as Pathogenic.

Literature cited by the submitters: PubMed 26572623; PubMed 26942288; PubMed 29271071.